The following is an entry in ClinVar:

NM_198253.3(TERT):c.3032+8_3032+9delinsAT

Gene: TERT (telomerase reverse transcriptase; minus strand). Cytogenetic location: 5p15.33.
Variant type: Indel.
Coding change: c.3032+8_3032+9delinsAT on transcript NM_198253.3 (MANE Select); bases 8 to 9 of the intron after coding-DNA position 3032, GC replaced by AT.
Molecular consequence: intron variant.
Genome position (GRCh38, 1-based): chr5:1,258,589-1,258,590, GC replaced by AT on the plus strand (GC replaced by AT on the coding strand, the reverse complement: TERT is on the minus strand). VCF-style: chr5-1258589-GC-AT. GRCh37 (hg19) VCF-style: chr5-1258704-GC-AT.
Other names: c.2843+8_2843+9delinsAT (NM_001193376.3).
Identifiers: ClinVar variation 4792597 (VCV004792597.1).

ClinVar aggregate classification (germline): Uncertain significance (1 of 4 stars; one submission).

Conditions:
Dyskeratosis congenita, autosomal dominant 2. Identifiers: MedGen C3151443, MONDO:0013521, OMIM 613989.
Idiopathic Pulmonary Fibrosis. Also called: Idiopathic fibrosing alveolitis, chronic form; idiopathic fibrosing alveolitis. Identifiers: Orphanet 2032, MedGen C1800706, MeSH D054990, MONDO:0800504.

Submission:

Labcorp Genetics (formerly Invitae), Labcorp
Classification: Uncertain significance for Dyskeratosis congenita, autosomal dominant 2; Idiopathic Pulmonary Fibrosis. Last evaluated: 2025-12-17. Review status: criteria provided, single submitter. Criteria: Invitae Variant Classification Sherloc (09022015). Collection method: clinical testing. Allele origin: germline.
Comment: This sequence change falls in intron 13 of the TERT gene. It does not directly change the encoded amino acid sequence of the TERT protein. Information on the frequency of this variant in the gnomAD database is not available, as this variant may be reported differently in the database. This variant has not been reported in the literature in individuals affected with TERT-related conditions. Experimental studies and prediction algorithms are not available or were not evaluated, and the effect of this variant on mRNA splicing is currently unknown. In summary, the available evidence is currently insufficient to determine the role of this variant in disease. Therefore, it has been classified as a Variant of Uncertain Significance.